The following is an entry in ClinVar:

NM_000326.5(RLBP1):c.26G>T (p.Arg9Leu)

Gene: RLBP1 (retinaldehyde binding protein 1; minus strand). Cytogenetic location: 15q26.1.
Variant type: single nucleotide variant.
Coding change: c.26G>T on transcript NM_000326.5 (MANE Select); coding-DNA position 26, G replaced by T.
Protein change: p.Arg9Leu; replaces arginine 9 with leucine.
Molecular consequence: missense variant.
Genome position (GRCh38, 1-based): chr15:89,218,680, C>A on the plus strand (G>T on the coding strand, the complement: RLBP1 is on the minus strand). VCF-style: chr15-89218680-C-A. GRCh37 (hg19) VCF-style: chr15-89761911-C-A.
Other names: short protein forms R9L.
Identifiers: ClinVar variation 1053238 (VCV001053238.9), dbSNP rs201258558, ClinGen allele CA274536627.
Genomic context (GRCh38, chr15:89,218,680, plus strand): 5'-TCCTTGGTTGTGAGCTGCTCCAGTTGGGCACGGAGCTCCTGTTCCTCTTCAGGTACCATG[C>A]GGAACGTGCCCACCTGGGCAGAGAAAGGAAAAAGAGGAACAGCCAACCGCATCAGCCTGA-3'
Protein context (NP_000317.1, residues 1-19): MSEGVGTF[Arg9Leu]MVPEEEQELR

ClinVar aggregate classification (germline): Uncertain significance (1 of 4 stars; one submission).

gnomAD v4.1: 35 of 1,614,140 alleles (0.0022%); highest among the groups gnomAD compares: Non-Finnish European, 0.0029%; no homozygotes.

Submission:

Labcorp Genetics (formerly Invitae), Labcorp
Classification: Uncertain significance. Last evaluated: 2022-07-06. Review status: criteria provided, single submitter. Criteria: Invitae Variant Classification Sherloc (09022015). Collection method: clinical testing. Allele origin: germline.
Comment: ClinVar contains an entry for this variant (Variation ID: 1053238). This sequence change replaces arginine, which is basic and polar, with leucine, which is neutral and non-polar, at codon 9 of the RLBP1 protein (p.Arg9Leu). This variant is present in population databases (rs201258558, gnomAD 0.003%). This variant has not been reported in the literature in individuals affected with RLBP1-related conditions. Algorithms developed to predict the effect of missense changes on protein structure and function are either unavailable or do not agree on the potential impact of this missense change (SIFT: "Deleterious"; PolyPhen-2: "Probably Damaging"; Align-GVGD: "Class C0"). This variant disrupts the p.Arg9 amino acid residue in RLBP1. Other variant(s) that disrupt this residue have been determined to be pathogenic (PMID: 23929416, 32188692; Invitae). This suggests that this residue is clinically significant, and that variants that disrupt this residue are likely to be disease-causing. In summary, the available evidence is currently insufficient to determine the role of this variant in disease. Therefore, it has been classified as a Variant of Uncertain Significance.

Literature cited by the submitters: PubMed 23929416; PubMed 32188692.